The following is an entry in ClinVar:

NM_001429.4(EP300):c.448_449delinsCT (p.Ser150Leu)

Gene: EP300 (EP300 lysine acetyltransferase; plus strand). Cytogenetic location: 22q13.2.
Variant type: Indel.
Coding change: c.448_449delinsCT on transcript NM_001429.4 (MANE Select); coding-DNA positions 448 to 449, TC replaced by CT.
Protein change: p.Ser150Leu; replaces serine 150 with leucine.
Molecular consequence: missense variant.
Genome position (GRCh38, 1-based): chr22:41,117,540-41,117,541, TC replaced by CT. VCF-style: chr22-41117540-TC-CT. GRCh37 (hg19) VCF-style: chr22-41513544-TC-CT.
Other names: c.448_449delinsCT, p.Ser150Leu (NM_001362843.2); c.448_449delinsCT (NM_001429.3); short protein forms S150L.
Identifiers: ClinVar variation 3707222 (VCV003707222.3).

ClinVar aggregate classification (germline): Conflicting classifications of pathogenicity. Review status: criteria provided, conflicting classifications (1 of 4 stars). 2 submissions from 2 submitters: Uncertain significance (1); Likely benign (1). Last evaluated 2025-11-25.

Conditions:
EP300-related disorder. Also called: EP300-related condition; EP300-related disorders.
Rubinstein-Taybi syndrome due to EP300 haploinsufficiency. Also called: EP300-Related Rubinstein-Taybi Syndrome; RUBINSTEIN-TAYBI SYNDROME 2. Identifiers: Orphanet 353284, Orphanet 783, MedGen C3150941, MONDO:0013364, OMIM 613684.

Submissions (2):

PreventionGenetics, part of Exact Sciences
Classification: Likely benign for EP300-related condition. Last evaluated: 2025-11-25. Review status: criteria provided, single submitter. Criteria: ACMG Guidelines, 2015. Collection method: clinical testing. Allele origin: germline.
Comment: This variant is classified as likely benign based on ACMG/AMP sequence variant interpretation guidelines (Richards et al. 2015 PMID: 25741868, with internal and published modifications).

Labcorp Genetics (formerly Invitae), Labcorp
Classification: Uncertain significance for Rubinstein-Taybi syndrome due to EP300 haploinsufficiency. Last evaluated: 2025-01-27. Review status: criteria provided, single submitter. Criteria: Invitae Variant Classification Sherloc (09022015). Collection method: clinical testing. Allele origin: germline.
Comment: This sequence change replaces serine, which is neutral and polar, with leucine, which is neutral and non-polar, at codon 150 of the EP300 protein (p.Ser150Leu). This variant is present in population databases (no rsID available, gnomAD 0.004%). This variant has not been reported in the literature in individuals affected with EP300-related conditions. Experimental studies and prediction algorithms are not available or were not evaluated, and the functional significance of this variant is currently unknown. In summary, the available evidence is currently insufficient to determine the role of this variant in disease. Therefore, it has been classified as a Variant of Uncertain Significance.